The following is an entry in ClinVar:

NM_001046.3(SLC12A2):c.2944G>A (p.Gly982Ser)

Gene: SLC12A2 (solute carrier family 12 member 2; plus strand). Cytogenetic location: 5q23.3.
Variant type: single nucleotide variant.
Coding change: c.2944G>A on transcript NM_001046.3 (MANE Select); coding-DNA position 2944, G replaced by A.
Protein change: p.Gly982Ser; replaces glycine 982 with serine.
Molecular consequence: missense variant. On other transcripts: non-coding transcript variant (1), intron variant (1).
Genome position (GRCh38, 1-based): chr5:128,177,119, G>A. VCF-style: chr5-128177119-G-A. GRCh37 (hg19) VCF-style: chr5-127512811-G-A.
Other names: c.2930-1448G>A (NM_001256461.2); short protein forms G982S.
Identifiers: ClinVar variation 3635537 (VCV003635537.2).

ClinVar aggregate classification (germline): Uncertain significance (1 of 4 stars; one submission).

gnomAD v4.1: 1 of 1,586,166 alleles (0.000063%); highest among the groups gnomAD compares: Non-Finnish European, 0.000085%; no homozygotes.

Submission:

Labcorp Genetics (formerly Invitae), Labcorp
Classification: Uncertain significance. Last evaluated: 2024-07-15. Review status: criteria provided, single submitter. Criteria: Invitae Variant Classification Sherloc (09022015). Collection method: clinical testing. Allele origin: germline.
Comment: This sequence change replaces glycine, which is neutral and non-polar, with serine, which is neutral and polar, at codon 982 of the SLC12A2 protein (p.Gly982Ser). This variant is not present in population databases (gnomAD no frequency). This variant has not been reported in the literature in individuals affected with SLC12A2-related conditions. Advanced modeling of protein sequence and biophysical properties (such as structural, functional, and spatial information, amino acid conservation, physicochemical variation, residue mobility, and thermodynamic stability) performed at Invitae indicates that this missense variant is not expected to disrupt SLC12A2 protein function with a negative predictive value of 95%. Algorithms developed to predict the effect of sequence changes on RNA splicing suggest that this variant may disrupt the consensus splice site. In summary, the available evidence is currently insufficient to determine the role of this variant in disease. Therefore, it has been classified as a Variant of Uncertain Significance.